The following is an entry in ClinVar:

NM_005188.4(CBL):c.265C>T (p.Pro89Ser)

Gene: CBL (Cbl proto-oncogene; plus strand). Cytogenetic location: 11q23.3.
Variant type: single nucleotide variant.
Coding change: c.265C>T on transcript NM_005188.4 (MANE Select); coding-DNA position 265, C replaced by T.
Protein change: p.Pro89Ser; replaces proline 89 with serine.
Molecular consequence: missense variant.
Genome position (GRCh38, 1-based): chr11:119,232,517, C>T. VCF-style: chr11-119232517-C-T. GRCh37 (hg19) VCF-style: chr11-119103227-C-T.
Other names: short protein forms P89S.
Identifiers: ClinVar variation 858059 (VCV000858059.9), dbSNP rs1949511407, ClinGen allele CA382894482.

ClinVar aggregate classification (germline): Uncertain significance (1 of 4 stars; one submission).

Conditions:
RASopathy. Also called: Noonan spectrum disorder; rasopathies. Identifiers: Orphanet 536391, MedGen C5555857, MONDO:0021060.

Allele frequency attached by ClinVar (database versions not stated): gnomAD exomes below 0.00001; TOPMed below 0.00001.
gnomAD v4.1: 1 of 1,613,594 alleles (0.000062%); highest among the groups gnomAD compares: Non-Finnish European, 0.000085%; no homozygotes.

Submission:

Labcorp Genetics (formerly Invitae), Labcorp
Classification: Uncertain significance for RASopathy. Last evaluated: 2022-09-21. Review status: criteria provided, single submitter. Criteria: Invitae Variant Classification Sherloc (09022015). Collection method: clinical testing. Allele origin: germline.
Comment: In summary, the available evidence is currently insufficient to determine the role of this variant in disease. Therefore, it has been classified as a Variant of Uncertain Significance. Algorithms developed to predict the effect of missense changes on protein structure and function (SIFT, PolyPhen-2, Align-GVGD) all suggest that this variant is likely to be disruptive. ClinVar contains an entry for this variant (Variation ID: 858059). This variant has not been reported in the literature in individuals affected with CBL-related conditions. This variant is not present in population databases (gnomAD no frequency). This sequence change replaces proline, which is neutral and non-polar, with serine, which is neutral and polar, at codon 89 of the CBL protein (p.Pro89Ser).